The following is an entry in ClinVar:

ClinVar aggregate classification (germline): Conflicting classifications of pathogenicity. Review status: criteria provided, conflicting classifications (1 of 4 stars). 3 submissions from 3 submitters: Uncertain significance (2); Likely benign (1). Last evaluated 2025-03-22.

Conditions:
Epidermolysis bullosa, junctional 7, with interstitial lung disease and nephrotic syndrome. Also called: Interstitial lung disease, nephrotic syndrome, and epidermolysis bullosa, congenital; Interstitial Lung Disease with Nephrotic Syndrome and Epidermolysis Bullosa. Identifiers: Orphanet 306504, MedGen C4518785, MONDO:0013881, OMIM 614748.
Inborn genetic diseases. Identifiers: MedGen C0950123, MeSH D030342.

gnomAD v4.1: 153 of 1,614,066 alleles (0.0095%); highest among the groups gnomAD compares: Non-Finnish European, 0.012%; no homozygotes.

Submissions (3):

Ambry Genetics
Classification: Likely benign for Inborn genetic diseases. Last evaluated: 2025-03-22. Review status: criteria provided, single submitter. Criteria: Ambry Variant Classification Scheme 2023. Collection method: clinical testing. Allele origin: germline.

Labcorp Genetics (formerly Invitae), Labcorp
Classification: Uncertain significance. Last evaluated: 2025-02-03. Review status: criteria provided, single submitter. Criteria: Invitae Variant Classification Sherloc (09022015). Collection method: clinical testing. Allele origin: germline.
Comment: This sequence change replaces arginine, which is basic and polar, with glutamine, which is neutral and polar, at codon 276 of the ITGA3 protein (p.Arg276Gln). This variant is present in population databases (rs746528236, gnomAD 0.007%). This variant has not been reported in the literature in individuals affected with ITGA3-related conditions. Invitae Evidence Modeling of protein sequence and biophysical properties (such as structural, functional, and spatial information, amino acid conservation, physicochemical variation, residue mobility, and thermodynamic stability) indicates that this missense variant is not expected to disrupt ITGA3 protein function with a negative predictive value of 80%. In summary, the available evidence is currently insufficient to determine the role of this variant in disease. Therefore, it has been classified as a Variant of Uncertain Significance.

Fulgent Genetics
Classification: Uncertain significance for Epidermolysis bullosa, junctional 7, with interstitial lung disease and nephrotic syndrome. Last evaluated: 2024-04-11. Review status: criteria provided, single submitter. Criteria: ACMG Guidelines, 2015. Collection method: clinical testing. Allele origin: germline.

NM_002204.4(ITGA3):c.827G>A (p.Arg276Gln)

Gene: ITGA3 (integrin subunit alpha 3; plus strand). Cytogenetic location: 17q21.33.
Variant type: single nucleotide variant.
Coding change: c.827G>A on transcript NM_002204.4 (MANE Select); coding-DNA position 827, G replaced by A.
Protein change: p.Arg276Gln; replaces arginine 276 with glutamine.
Molecular consequence: missense variant.
Genome position (GRCh38, 1-based): chr17:50,071,386, G>A. VCF-style: chr17-50071386-G-A. GRCh37 (hg19) VCF-style: chr17-48148750-G-A.
Other names: NM_005501.2:c.827G>A; short protein forms R276Q.
Identifiers: ClinVar variation 3582242 (VCV003582242.4).